The following is an entry in ClinVar:

ClinVar aggregate classification (germline): Uncertain significance (1 of 4 stars; one submission).

Conditions:
Intellectual developmental disorder, X-linked, syndromic, Hedera type. Also called: Syndromic X-linked intellectual disability Hedera type. Identifiers: Orphanet 93952, MedGen C1845543, MONDO:0010319, OMIM 300423.

Allele frequency attached by ClinVar (database versions not stated): gnomAD exomes below 0.00001; ExAC 0.00001.

Submission:

Labcorp Genetics (formerly Invitae), Labcorp
Classification: Uncertain significance for Intellectual developmental disorder, X-linked, syndromic, Hedera type. Last evaluated: 2025-04-14. Review status: criteria provided, single submitter. Criteria: Invitae Variant Classification Sherloc (09022015). Collection method: clinical testing. Allele origin: germline.
Comment: This sequence change replaces asparagine, which is neutral and polar, with aspartic acid, which is acidic and polar, at codon 327 of the ATP6AP2 protein (p.Asn327Asp). This variant is present in population databases (rs781529248, gnomAD 0.004%). This variant has not been reported in the literature in individuals affected with ATP6AP2-related conditions. ClinVar contains an entry for this variant (Variation ID: 2417287). Invitae Evidence Modeling of protein sequence and biophysical properties (such as structural, functional, and spatial information, amino acid conservation, physicochemical variation, residue mobility, and thermodynamic stability) indicates that this missense variant is expected to disrupt ATP6AP2 protein function with a positive predictive value of 80%. In summary, the available evidence is currently insufficient to determine the role of this variant in disease. Therefore, it has been classified as a Variant of Uncertain Significance.

NM_005765.3(ATP6AP2):c.979A>G (p.Asn327Asp)

Gene: ATP6AP2 (ATPase H+ transporting accessory protein 2; plus strand). Cytogenetic location: Xp11.4.
Variant type: single nucleotide variant.
Coding change: c.979A>G on transcript NM_005765.3 (MANE Select); coding-DNA position 979, A replaced by G.
Protein change: p.Asn327Asp; replaces asparagine 327 with aspartic acid.
Molecular consequence: missense variant.
Genome position (GRCh38, 1-based): chrX:40,605,681, A>G. VCF-style: chrX-40605681-A-G. GRCh37 (hg19) VCF-style: chrX-40464933-A-G.
Other names: short protein forms N327D.
Identifiers: ClinVar variation 2417287 (VCV002417287.7), dbSNP rs781529248, ClinGen allele CA10387308.
Genomic context (GRCh38, chrX:40,605,681, plus strand): 5'-TTCAACATGGTACTTTGGATAATGATCGCCTTGGCCTTGGCTGTGATTATCACCTCTTAC[A>G]ATATTTGGAACATGGATCCTGGATATGATAGCATCATTTATAGGATGACAAACCAGAAGA-3'
Protein context (NP_005756.2, residues 317-337): LALAVIITSY[Asn327Asp]IWNMDPGYDS